The following is an entry in ClinVar:

NM_000257.4(MYH7):c.4353+5G>C

Genes: MHRT (myosin heavy chain associated RNA transcript; plus strand), MYH7 (myosin heavy chain 7; minus strand). Cytogenetic location: 14q11.2.
Variant type: single nucleotide variant.
Coding change: c.4353+5G>C on transcript NM_000257.4 (MANE Select); 5 bases into the intron after coding-DNA position 4353, G replaced by C.
Molecular consequence: intron variant.
Genome position (GRCh38, 1-based): chr14:23,417,498, C>G on the plus strand (G>C on the coding strand, the complement: MYH7 is on the minus strand). VCF-style: chr14-23417498-C-G. GRCh37 (hg19) VCF-style: chr14-23886707-C-G.
Other names: c.4353+5G>C (NM_001407004.1).
Identifiers: ClinVar variation 4756786 (VCV004756786.1).
Genomic context (GRCh38, chr14:23,417,498, plus strand): 5'-CTCTCACTGAACCCCTCATGCCCCCTTGCCCTGCATGCTGGCTGCGGCCCCCACCCAGGG[C>G]CCACCTTGTCGAAGTTCCTCTGCTTCTTGTCCAGGGCTGCAGCAGCAGCATTGGAGCGCT-3'

ClinVar aggregate classification (germline): Uncertain significance (1 of 4 stars; one submission).

Conditions:
Cardiomyopathy (CMYO). Also called: Cardiomyopathies. Identifiers: Orphanet 167848, MedGen C0878544, MONDO:0004994, HP:0001638. Inheritance: Various modes of inheritance.

Submission:

Color Diagnostics, LLC DBA Color Health
Classification: Uncertain significance for Cardiomyopathy. Last evaluated: 2025-06-03. Review status: criteria provided, single submitter. Criteria: ACMG Guidelines, 2015. Collection method: clinical testing. Allele origin: germline.
Comment: This variant causes a G to C nucleotide substitution at the +5 position of intron 31 of the MYH7 gene. To our knowledge, functional studies have not been reported for this variant. This variant has not been reported in individuals affected with MYH7-related disorders in the literature. This variant has not been identified in the general population by the Genome Aggregation Database (gnomAD). The available evidence is insufficient to determine the role of this variant in disease conclusively. Therefore, this variant is classified as a Variant of Uncertain Significance.